The following is an entry in ClinVar:

NM_004006.3(DMD):c.1262_1263insC (p.Gln421fs)

Gene: DMD (dystrophin; minus strand). Cytogenetic location: Xp21.1.
Variant type: Insertion.
Coding change: c.1262_1263insC on transcript NM_004006.3 (MANE Select); coding-DNA positions 1262 to 1263, C inserted.
Protein change: p.Gln421fs; shifts the reading frame from glutamine 421.
Molecular consequence: frameshift variant.
Genome position: GRCh38 VCF-style: chrX-32644200-T-TG. GRCh37 (hg19) VCF-style: chrX-32662317-T-TG.
Other names: c.1238_1239insC, p.Gln413fs (NM_000109.4); c.1250_1251insC, p.Gln417fs (NM_004009.3); c.893_894insC, p.Gln298fs (NM_004010.3); short protein forms Q298fs, Q413fs, Q421fs, Q417fs.
Identifiers: ClinVar variation 3722255 (VCV003722255.2).

ClinVar aggregate classification (germline): Pathogenic (1 of 4 stars; one submission).

Conditions:
Duchenne muscular dystrophy (DMD). Also called: Duchenne Muscular Dystrophy (DMD); MUSCULAR DYSTROPHY, PSEUDOHYPERTROPHIC PROGRESSIVE, DUCHENNE TYPE. Identifiers: Orphanet 98896, MedGen C0013264, MONDO:0010679, OMIM 310200.

Submission:

Labcorp Genetics (formerly Invitae), Labcorp
Classification: Pathogenic for Duchenne muscular dystrophy. Last evaluated: 2024-10-05. Review status: criteria provided, single submitter. Criteria: Invitae Variant Classification Sherloc (09022015). Collection method: clinical testing. Allele origin: germline.
Comment: This sequence change creates a premature translational stop signal (p.Gln421Hisfs*18) in the DMD gene. It is expected to result in an absent or disrupted protein product. Loss-of-function variants in DMD are known to be pathogenic (PMID: 16770791, 25007885). This variant is not present in population databases (gnomAD no frequency). This variant has not been reported in the literature in individuals affected with DMD-related conditions. For these reasons, this variant has been classified as Pathogenic.

Literature cited by the submitters: PubMed 16770791; PubMed 25007885.